The following is an entry in ClinVar:

ClinVar aggregate classification (germline): Uncertain significance (1 of 4 stars; one submission).

Conditions:
Frasier syndrome. Identifiers: Orphanet 347, MedGen C0950122, MeSH D052159, MONDO:0007635, OMIM 136680.
Drash syndrome (DDS). Also called: NEPHROPATHY, WILMS TUMOR, AND GENITAL ANOMALIES; WILMS TUMOR AND PSEUDO- OR TRUE HERMAPHRODITISM. Identifiers: Orphanet 220, MedGen C0950121, MONDO:0008682, OMIM 194080.
Wilms tumor 1 (WT1). Also called: Wilms tumor, somatic. Identifiers: Orphanet 654, MedGen CN033288, MONDO:0008679, OMIM 194070.
11p partial monosomy syndrome (WAGR). Also called: CHROMOSOME 11p13 DELETION SYNDROME; WAGR syndrome; WAGR Complex; WAGR Spectrum Disorder. Identifiers: Orphanet 893, MedGen C0206115, MONDO:0008681, OMIM 194072.

Submission:

Labcorp Genetics (formerly Invitae), Labcorp
Classification: Uncertain significance for Wilms tumor 1; Drash syndrome; 11p partial monosomy syndrome; Frasier syndrome. Last evaluated: 2023-09-22. Review status: criteria provided, single submitter. Criteria: Invitae Variant Classification Sherloc (09022015). Collection method: clinical testing. Allele origin: germline.
Comment: In summary, the available evidence is currently insufficient to determine the role of this variant in disease. Therefore, it has been classified as a Variant of Uncertain Significance. An algorithm developed to predict the effect of missense changes on protein structure and function (PolyPhen-2) suggests that this variant is likely to be disruptive. This variant has not been reported in the literature in individuals affected with WT1-related conditions. This variant is not present in population databases (gnomAD no frequency). This sequence change replaces phenylalanine, which is neutral and non-polar, with cysteine, which is neutral and slightly polar, at codon 425 of the WT1 protein (p.Phe425Cys).

NM_024426.6(WT1):c.1289T>G (p.Phe430Cys)

Gene: WT1 (WT1 transcription factor; minus strand). Cytogenetic location: 11p13.
Variant type: single nucleotide variant.
Coding change: c.1289T>G on transcript NM_024426.6 (MANE Select); coding-DNA position 1289, T replaced by G.
Protein change: p.Phe430Cys; replaces phenylalanine 430 with cysteine.
Molecular consequence: missense variant. On other transcripts: non-coding transcript variant (2), intron variant (1).
Genome position (GRCh38, 1-based): chr11:32,392,731, A>C on the plus strand (T>G on the coding strand, the complement: WT1 is on the minus strand). VCF-style: chr11-32392731-A-C. GRCh37 (hg19) VCF-style: chr11-32414277-A-C.
Other names: c.1238T>G, p.Phe413Cys (NM_000378.6, NM_001407045.1, NM_001407049.1); c.638T>G, p.Phe213Cys (NM_001198551.2); c.587T>G, p.Phe196Cys (NM_001198552.2); c.101T>G, p.Phe34Cys (NM_001367854.1); c.1283T>G, p.Phe428Cys (NM_001407044.1); c.1289T>G, p.Phe430Cys (NM_001407046.1, NM_024424.5); c.1166T>G, p.Phe389Cys (NM_001407047.1); c.1115T>G, p.Phe372Cys (NM_001407050.1); and 3 more; short protein forms F196C, F34C, F413C, F428C, F430C, F213C, F389C, F176C.
Identifiers: ClinVar variation 2952161 (VCV002952161.3), dbSNP rs2132921150, ClinGen allele CA379959374.